The following is an entry in ClinVar:

ClinVar aggregate classification (germline): Uncertain significance (1 of 4 stars; one submission).

gnomAD v4.1: 84 of 1,613,594 alleles (0.0052%); highest among the groups gnomAD compares: Non-Finnish European, 0.0067%; no homozygotes.

Submission:

Labcorp Genetics (formerly Invitae), Labcorp
Classification: Uncertain significance. Last evaluated: 2024-12-19. Review status: criteria provided, single submitter. Criteria: Invitae Variant Classification Sherloc (09022015). Collection method: clinical testing. Allele origin: germline.
Comment: This sequence change replaces proline, which is neutral and non-polar, with leucine, which is neutral and non-polar, at codon 118 of the A4GALT protein (p.Pro118Leu). This variant is present in population databases (rs766205721, gnomAD 0.004%). This variant has not been reported in the literature in individuals affected with A4GALT-related conditions. An algorithm developed to predict the effect of missense changes on protein structure and function outputs the following: PolyPhen-2: "Benign". The leucine amino acid residue is found in multiple mammalian species, which suggests that this missense change does not adversely affect protein function. In summary, the available evidence is currently insufficient to determine the role of this variant in disease. Therefore, it has been classified as a Variant of Uncertain Significance.

NM_017436.7(A4GALT):c.353C>T (p.Pro118Leu)

Gene: A4GALT (alpha 1,4-galactosyltransferase (P1PK blood group); minus strand). Cytogenetic location: 22q13.2.
Variant type: single nucleotide variant.
Coding change: c.353C>T on transcript NM_017436.7 (MANE Select); coding-DNA position 353, C replaced by T.
Protein change: p.Pro118Leu; replaces proline 118 with leucine.
Molecular consequence: missense variant.
Genome position (GRCh38, 1-based): chr22:42,693,599, G>A on the plus strand (C>T on the coding strand, the complement: A4GALT is on the minus strand). VCF-style: chr22-42693599-G-A. GRCh37 (hg19) VCF-style: chr22-43089605-G-A.
Other names: c.353C>T, p.Pro118Leu (NM_001318038.3); short protein forms P118L.
Identifiers: ClinVar variation 3608653 (VCV003608653.2).
Genomic context (GRCh38, chr22:42,693,599, plus strand): 5'-TTCGGGAAGCAGCTCAGAAGTGAGATGCCCAGGTGCCGGGGCAGAGAGGCGTTGCCACCC[G>A]GAAGCCCTTTCATCAGGACCAGCACGTGGGATTCGGGGTGAGTTCTGGCGGCCGACTCCA-3'
Protein context (NP_059132.1, residues 108-128): SHVLVLMKGL[Pro118Leu]GGNASLPRHL